The following is an entry in ClinVar:

ClinVar aggregate classification (germline): Conflicting classifications of pathogenicity. Review status: criteria provided, conflicting classifications (1 of 4 stars). 4 submissions from 4 submitters: Uncertain significance (3); Likely benign (1). Last evaluated 2026-08-02.

Conditions:
LRP4-related disorder. Also called: LRP4-related condition.
Congenital myasthenic syndrome 17. Identifiers: Orphanet 590, MedGen C4225377, MONDO:0014578, OMIM 616304.
Sclerosteosis 2 (SOST2). Identifiers: Orphanet 3152, MedGen C3280402, MONDO:0013679, OMIM 614305.
Cenani-Lenz syndactyly syndrome. Also called: SYNDACTYLY, TYPE VII; CENANI SYNDACTYLISM. Identifiers: Orphanet 3258, MedGen C1859309, MONDO:0008931, OMIM 212780.

Allele frequency attached by ClinVar (database versions not stated): gnomAD exomes 0.00005 and 0.00014; ExAC 0.00020; TOPMed 0.00037; gnomAD 0.00038 and 0.00042; ESP Exome Variant Server 0.00054; 1000 Genomes Project 0.00080; 1000 Genomes Project 30x 0.00094.
gnomAD v4.1: 137 of 1,614,174 alleles (0.0085%); highest among the groups gnomAD compares: African/African-American, 0.16%; no homozygotes.

Submissions (4):

PreventionGenetics, part of Exact Sciences
Classification: Likely benign for LRP4-related condition. Last evaluated: 2026-08-02. Review status: criteria provided, single submitter. Criteria: ACMG Guidelines, 2015. Collection method: clinical testing. Allele origin: germline.
Comment: This variant is classified as likely benign based on ACMG/AMP sequence variant interpretation guidelines (Richards et al. 2015 PMID: 25741868, with internal and published modifications).

Labcorp Genetics (formerly Invitae), Labcorp
Classification: Uncertain significance for Cenani-Lenz syndactyly syndrome; Sclerosteosis 2; Congenital myasthenic syndrome 17. Last evaluated: 2024-06-03. Review status: criteria provided, single submitter. Criteria: Invitae Variant Classification Sherloc (09022015). Collection method: clinical testing. Allele origin: germline.
Comment: This sequence change replaces arginine, which is basic and polar, with glutamine, which is neutral and polar, at codon 1136 of the LRP4 protein (p.Arg1136Gln). This variant is present in population databases (rs61736853, gnomAD 0.2%). This variant has not been reported in the literature in individuals affected with LRP4-related conditions. ClinVar contains an entry for this variant (Variation ID: 281554). Advanced modeling of protein sequence and biophysical properties (such as structural, functional, and spatial information, amino acid conservation, physicochemical variation, residue mobility, and thermodynamic stability) performed at Invitae indicates that this missense variant is not expected to disrupt LRP4 protein function with a negative predictive value of 80%. In summary, the available evidence is currently insufficient to determine the role of this variant in disease. Therefore, it has been classified as a Variant of Uncertain Significance.

Fulgent Genetics
Classification: Uncertain significance for Cenani-Lenz syndactyly syndrome; Sclerosteosis 2; Congenital myasthenic syndrome 17. Last evaluated: 2024-05-02. Review status: criteria provided, single submitter. Criteria: ACMG Guidelines, 2015. Collection method: clinical testing. Allele origin: germline.

Eurofins Ntd Llc (ga)
Classification: Uncertain significance. Last evaluated: 2018-06-28. Review status: criteria provided, single submitter. Criteria: EGL ClinVar v180209 classification definitions. Collection method: clinical testing. Allele origin: germline. Observed: 2 variant alleles, 2 heterozygotes.

NM_002334.4(LRP4):c.3407G>A (p.Arg1136Gln)

Gene: LRP4 (LDL receptor related protein 4; minus strand). Cytogenetic location: 11p11.2.
Variant type: single nucleotide variant.
Coding change: c.3407G>A on transcript NM_002334.4 (MANE Select); coding-DNA position 3407, G replaced by A.
Protein change: p.Arg1136Gln; replaces arginine 1136 with glutamine.
Molecular consequence: missense variant.
Genome position (GRCh38, 1-based): chr11:46,876,595, C>T on the plus strand (G>A on the coding strand, the complement: LRP4 is on the minus strand). VCF-style: chr11-46876595-C-T. GRCh37 (hg19) VCF-style: chr11-46898146-C-T.
Other names: short protein forms R1136Q.
Identifiers: ClinVar variation 281554 (VCV000281554.12), dbSNP rs61736853, ClinGen allele CA5969602.